The following is an entry in ClinVar:

NM_017668.3(NDE1):c.659G>A (p.Arg220Gln)

Gene: NDE1 (nudE neurodevelopment protein 1; plus strand). Cytogenetic location: 16p13.11.
Variant type: single nucleotide variant.
Coding change: c.659G>A on transcript NM_017668.3 (MANE Select); coding-DNA position 659, G replaced by A.
Protein change: p.Arg220Gln; replaces arginine 220 with glutamine.
Molecular consequence: missense variant.
Genome position (GRCh38, 1-based): chr16:15,691,279, G>A. VCF-style: chr16-15691279-G-A. GRCh37 (hg19) VCF-style: chr16-15785136-G-A.
Other names: c.659G>A, p.Arg220Gln (NM_001143979.2); c.659G>A (NM_001143979.1); short protein forms R220Q.
Identifiers: ClinVar variation 1399325 (VCV001399325.6), dbSNP rs376657830, ClinGen allele CA7920739.

ClinVar aggregate classification (germline): Conflicting classifications of pathogenicity. Review status: criteria provided, conflicting classifications (1 of 4 stars). 2 submissions from 2 submitters: Uncertain significance (1); Likely benign (1). Last evaluated 2025-07-29.

Conditions:
NDE1-related disorder. Also called: NDE1-Related Disorders; NDE1-related condition.

Allele frequency attached by ClinVar (database versions not stated): TOPMed 0.00014; ESP Exome Variant Server 0.00015; gnomAD 0.00016.
gnomAD v4.1: 140 of 1,614,026 alleles (0.0087%); highest among the groups gnomAD compares: Non-Finnish European, 0.0056%; no homozygotes.

Submissions (2):

PreventionGenetics, part of Exact Sciences
Classification: Likely benign for NDE1-related condition. Last evaluated: 2025-07-29. Review status: criteria provided, single submitter. Criteria: ACMG Guidelines, 2015. Collection method: clinical testing. Allele origin: germline.
Comment: This variant is classified as likely benign based on ACMG/AMP sequence variant interpretation guidelines (Richards et al. 2015 PMID: 25741868, with internal and published modifications).

Labcorp Genetics (formerly Invitae), Labcorp
Classification: Uncertain significance. Last evaluated: 2021-10-29. Review status: criteria provided, single submitter. Criteria: Invitae Variant Classification Sherloc (09022015). Collection method: clinical testing. Allele origin: germline.
Comment: In summary, the available evidence is currently insufficient to determine the role of this variant in disease. Therefore, it has been classified as a Variant of Uncertain Significance. Algorithms developed to predict the effect of missense changes on protein structure and function (SIFT, PolyPhen-2, Align-GVGD) all suggest that this variant is likely to be tolerated. This variant has not been reported in the literature in individuals affected with NDE1-related conditions. This variant is present in population databases (rs376657830, gnomAD 0.2%). This sequence change replaces arginine, which is basic and polar, with glutamine, which is neutral and polar, at codon 220 of the NDE1 protein (p.Arg220Gln).